The following is an entry in ClinVar:

NM_014822.4(SEC24D):c.1181-1G>C

Gene: SEC24D (SEC24 homolog D, COPII component; minus strand). Cytogenetic location: 4q26.
Variant type: single nucleotide variant.
Coding change: c.1181-1G>C on transcript NM_014822.4 (MANE Select); the canonical splice acceptor site of the intron before coding-DNA position 1181, G replaced by C.
Molecular consequence: splice acceptor variant.
Genome position (GRCh38, 1-based): chr4:118,764,918, C>G on the plus strand (G>C on the coding strand, the complement: SEC24D is on the minus strand). VCF-style: chr4-118764918-C-G. GRCh37 (hg19) VCF-style: chr4-119686073-C-G.
Other names: c.1184-1G>C (NM_001318066.2).
Identifiers: ClinVar variation 2762123 (VCV002762123.4), dbSNP rs1727568821, ClinGen allele CA358012581.

ClinVar aggregate classification (germline): Likely pathogenic. Review status: criteria provided, multiple submitters, no conflicts (2 of 4 stars). 2 submissions from 2 submitters: Likely pathogenic (2). Last evaluated 2023-09-20.

Conditions:
SEC24D-related disorder. Also called: SEC24D-related condition.

Allele frequency attached by ClinVar (database versions not stated): TOPMed below 0.00001; gnomAD 0.00001; gnomAD exomes 0.00001.

Submissions (2):

Labcorp Genetics (formerly Invitae), Labcorp
Classification: Likely pathogenic. Last evaluated: 2023-09-20. Review status: criteria provided, single submitter. Criteria: Invitae Variant Classification Sherloc (09022015). Collection method: clinical testing. Allele origin: germline.
Comment: This variant is not present in population databases (gnomAD no frequency). This variant has not been reported in the literature in individuals affected with SEC24D-related conditions. Algorithms developed to predict the effect of sequence changes on RNA splicing suggest that this variant may disrupt the consensus splice site. In summary, the currently available evidence indicates that the variant is pathogenic, but additional data are needed to prove that conclusively. Therefore, this variant has been classified as Likely Pathogenic. This sequence change affects an acceptor splice site in intron 9 of the SEC24D gene. It is expected to disrupt RNA splicing. Variants that disrupt the donor or acceptor splice site typically lead to a loss of protein function (PMID: 16199547), and loss-of-function variants in SEC24D are known to be pathogenic (PMID: 25683121, 30462379).

Blueprint Genetics
Classification: Likely pathogenic for SEC24D-related disorders. Last evaluated: 2019-12-27. Review status: criteria provided, single submitter. Criteria: ACMG Guidelines, 2015. Collection method: clinical testing. Allele origin: germline. Affected: yes. Observed: 1 variant allele.

Literature cited by the submitters: PubMed 16199547 (cited by Labcorp Genetics (formerly Invitae), Labcorp); PubMed 25683121 (cited by Labcorp Genetics (formerly Invitae), Labcorp); PubMed 30462379 (cited by Labcorp Genetics (formerly Invitae), Labcorp).